The following is an entry in ClinVar:

ClinVar aggregate classification (germline): Uncertain significance. Review status: criteria provided, multiple submitters, no conflicts (2 of 4 stars). 2 submissions from 2 submitters: Uncertain significance (2). Last evaluated 2025-07-21.

Conditions:
Developmental and epileptic encephalopathy, 14 (DEE14). Also called: Early infantile epileptic encephalopathy 14. Identifiers: Orphanet 293181, MedGen C3554195, MONDO:0013989, OMIM 614959.
Autosomal dominant nocturnal frontal lobe epilepsy 5. Also called: CILIARY DYSKINESIA, PRIMARY, 28, WITHOUT SITUS INVERSUS; CILIARY DYSKINESIA, PRIMARY, 28, WITH SITUS INVERSUS; Epilepsy, nocturnal frontal lobe, 5; KCNT1-Related Epilepsy. Identifiers: Orphanet 98784, MedGen C3554306, MONDO:0014002, OMIM 615005.

Submissions (2):

Labcorp Genetics (formerly Invitae), Labcorp
Classification: Uncertain significance for Autosomal dominant nocturnal frontal lobe epilepsy 5; Developmental and epileptic encephalopathy, 14. Last evaluated: 2025-07-21. Review status: criteria provided, single submitter. Criteria: Invitae Variant Classification Sherloc (09022015). Collection method: clinical testing. Allele origin: germline.
Comment: This sequence change replaces glutamine, which is neutral and polar, with lysine, which is basic and polar, at codon 1212 of the KCNT1 protein (p.Gln1212Lys). This variant is not present in population databases (gnomAD no frequency). This variant has not been reported in the literature in individuals affected with KCNT1-related conditions. ClinVar contains an entry for this variant (Variation ID: 540577). Invitae Evidence Modeling of protein sequence and biophysical properties (such as structural, functional, and spatial information, amino acid conservation, physicochemical variation, residue mobility, and thermodynamic stability) indicates that this missense variant is not expected to disrupt KCNT1 protein function with a negative predictive value of 80%. In summary, the available evidence is currently insufficient to determine the role of this variant in disease. Therefore, it has been classified as a Variant of Uncertain Significance.

Blueprint Genetics
Classification: Uncertain significance. Last evaluated: 2023-04-25. Review status: criteria provided, single submitter. Criteria: ACMG Guidelines, 2015. Collection method: clinical testing. Allele origin: germline.

NM_020822.3(KCNT1):c.3634C>A (p.Gln1212Lys)

Gene: KCNT1 (potassium sodium-activated channel subfamily T member 1; plus strand). Cytogenetic location: 9q34.3.
Variant type: single nucleotide variant.
Coding change: c.3634C>A on transcript NM_020822.3 (MANE Select); coding-DNA position 3634, C replaced by A.
Protein change: p.Gln1212Lys; replaces glutamine 1212 with lysine.
Molecular consequence: missense variant.
Genome position (GRCh38, 1-based): chr9:135,792,087, C>A. VCF-style: chr9-135792087-C-A. GRCh37 (hg19) VCF-style: chr9-138683933-C-A.
Other names: c.3562C>A, p.Gln1188Lys (NM_001272003.2); short protein forms Q1212K, Q1188K.
Identifiers: ClinVar variation 540577 (VCV000540577.13), dbSNP rs1554782444, ClinGen allele CA375494379.